The following is an entry in ClinVar:

NM_015915.5(ATL1):c.499A>G (p.Ser167Gly)

Gene: ATL1 (atlastin GTPase 1; plus strand). Cytogenetic location: 14q22.1.
Variant type: single nucleotide variant.
Coding change: c.499A>G on transcript NM_015915.5 (MANE Select); coding-DNA position 499, A replaced by G.
Protein change: p.Ser167Gly; replaces serine 167 with glycine.
Molecular consequence: missense variant.
Genome position (GRCh38, 1-based): chr14:50,591,616, A>G. VCF-style: chr14-50591616-A-G. GRCh37 (hg19) VCF-style: chr14-51058334-A-G.
Other names: c.499A>G, p.Ser167Gly (NM_001127713.1, NM_181598.4); short protein forms S167G.
Identifiers: ClinVar variation 1744635 (VCV001744635.3), dbSNP rs908053602, ClinGen allele CA260774401.

ClinVar aggregate classification (germline): Uncertain significance. Review status: criteria provided, multiple submitters, no conflicts (2 of 4 stars). 2 submissions from 2 submitters: Uncertain significance (2). Last evaluated 2025-09-24.

Conditions:
Hereditary spastic paraplegia 3A (SPG3A). Also called: Spastic paraplegia 3A, autosomal dominant; SPASTIC PARAPLEGIA 3, AUTOSOMAL DOMINANT; FAMILIAL SPASTIC PARAPLEGIA, AUTOSOMAL DOMINANT, 1; SPG3; STRUMPELL DISEASE; Spastic Paraplegia 3A. Identifiers: Orphanet 100984, MedGen C2931355, MONDO:0008437, OMIM 182600.
Inborn genetic diseases. Identifiers: MedGen C0950123, MeSH D030342.

Allele frequency attached by ClinVar (database versions not stated): gnomAD exomes below 0.00001.
gnomAD v4.1: 2 of 1,613,576 alleles (0.00012%); highest among the groups gnomAD compares: Non-Finnish European, 0.00017%; no homozygotes.

Submissions (2):

Labcorp Genetics (formerly Invitae), Labcorp
Classification: Uncertain significance for Hereditary spastic paraplegia 3A. Last evaluated: 2025-09-24. Review status: criteria provided, single submitter. Criteria: Invitae Variant Classification Sherloc (09022015). Collection method: clinical testing. Allele origin: germline.
Comment: This sequence change replaces serine, which is neutral and polar, with glycine, which is neutral and non-polar, at codon 167 of the ATL1 protein (p.Ser167Gly). This variant is not present in population databases (gnomAD no frequency). This variant has not been reported in the literature in individuals affected with ATL1-related conditions. ClinVar contains an entry for this variant (Variation ID: 1744635). Invitae Evidence Modeling of protein sequence and biophysical properties (such as structural, functional, and spatial information, amino acid conservation, physicochemical variation, residue mobility, and thermodynamic stability) indicates that this missense variant is expected to disrupt ATL1 protein function with a positive predictive value of 95%. In summary, the available evidence is currently insufficient to determine the role of this variant in disease. Therefore, it has been classified as a Variant of Uncertain Significance.

Ambry Genetics
Classification: Uncertain significance for Inborn genetic diseases. Last evaluated: 2019-12-16. Review status: criteria provided, single submitter. Criteria: Ambry Variant Classification Scheme 2023. Collection method: clinical testing. Allele origin: germline.
Comment: The p.S167G variant (also known as c.499A>G), located in coding exon 4 of the ATL1 gene, results from an A to G substitution at nucleotide position 499. The serine at codon 167 is replaced by glycine, an amino acid with similar properties. This amino acid position is highly conserved in available vertebrate species. In addition, this alteration is predicted to be deleterious by in silico analysis. Since supporting evidence is limited at this time, the clinical significance of this alteration remains unclear.